The following is an entry in ClinVar:

NM_001370100.5(ZMYND11):c.1119_1121del (p.Glu374del)

Gene: ZMYND11 (zinc finger MYND-type containing 11; plus strand). Cytogenetic location: 10p15.3.
Variant type: Deletion.
Coding change: c.1119_1121del on transcript NM_001370100.5 (MANE Select); coding-DNA positions 1119 to 1121, 3 bases deleted (AGA; older notation c.1119_1121delAGA).
Protein change: p.Glu374del; deletes glutamic acid 374.
Molecular consequence: inframe deletion. On other transcripts: non-coding transcript variant (1).
Genome position (GRCh38, 1-based): chr10:246,934-246,936, AGA deleted; deleting any 3 consecutive bases within chr10:246,932-246,936 gives the same sequence; the c. name uses the placement nearest the transcript's 3' end. VCF-style (leftmost placement, unchanged base first): chr10-246931-GGAA-G. GRCh37 (hg19) VCF-style: chr10-292871-GGAA-G.
Other names: c.957_959del, p.Glu320del (NM_001202464.3, NM_001202467.1, NM_001370103.2 and 6 more transcripts); c.864_866del, p.Glu289del (NM_001202465.3, NM_001370110.2); c.954_956del, p.Glu319del (NM_001202466.3, NM_001370111.2); c.1119_1121del, p.Glu374del (NM_001202468.1, NM_001370097.3, NM_001370098.2 and 5 more transcripts); c.1068_1070del, p.Glu357del (NM_001330057.3, NM_001370112.2); c.1026_1028del, p.Glu343del (NM_001370113.2, NM_001370114.2); c.1116_1118del, p.Glu373del (NM_001370115.2, NM_212479.4); c.1053_1055del, p.Glu352del (NM_001370116.2); and 7 more; short protein forms E217del, E255del, E272del, E280del, E289del, E298del, E319del, E320del.
Identifiers: ClinVar variation 4886306 (VCV004886306.2).
Genomic context (GRCh38, chr10:246,931, plus strand): 5'-GCATCAGCGTTTCCTACGAGAAGGGAGATTTTGGAAATCTAAGAATGAGGACCGAGGTGA[GGAA>G]GAGGCAGAATCCAGTATCTCCTCCACCAGTAATGAGCAGGTGAGTGTGTCTCCGGAAGGA-3'

ClinVar aggregate classification (germline): Uncertain significance (1 of 4 stars; one submission).

Submission:

Dasa
Classification: Uncertain significance. Last evaluated: 2026-04-10. Review status: criteria provided, single submitter. Criteria: DASA Assertion Criteria. Collection method: clinical testing. Allele origin: germline.
Comment: NM_001370100.5(ZMYND11):c.1119_1121del (p.Glu374del) is an in-frame deletion predicted to remove glutamic acid at protein position 374 without shifting the reading frame. This variant is rare in population databases. The currently available literature and clinical evidence are not sufficient to establish a definitive association between this variant and the reported condition. Therefore, this variant is classified as a variant of uncertain significance.